The following is an entry in ClinVar:

NM_000038.6(APC):c.834+3A>T

Gene: APC (APC regulator of Wnt signaling pathway; plus strand). Cytogenetic location: 5q22.2.
Variant type: single nucleotide variant.
Coding change: c.834+3A>T on transcript NM_000038.6 (MANE Select); 3 bases into the intron after coding-DNA position 834, A replaced by T.
Molecular consequence: intron variant.
Genome position (GRCh38, 1-based): chr5:112,801,386, A>T. VCF-style: chr5-112801386-A-T. GRCh37 (hg19) VCF-style: chr5-112137083-A-T.
Other names: c.834+3A>T (NM_001354895.2, NM_001127510.3, NM_001354896.2 and 1 more transcripts); c.864+3A>T (NM_001354897.2, NM_001354902.2); c.780+3A>T (NM_001127511.3); c.759+3A>T (NM_001354898.2, NM_001354904.2); c.-202+3A>T (NM_001354906.2); c.750+3A>T (NM_001354899.2); c.657+3A>T (NM_001354900.2, NM_001354901.2, NM_001354905.2).
Identifiers: ClinVar variation 954490 (VCV000954490.12), dbSNP rs1554076230, ClinGen allele CA1139658991.

ClinVar aggregate classification (germline): Conflicting classifications of pathogenicity. Review status: criteria provided, conflicting classifications (1 of 4 stars). 2 submissions from 2 submitters: Likely pathogenic (1); Uncertain significance (1). Last evaluated 2024-09-16.

Conditions:
Familial adenomatous polyposis 1 (FAP1). Also called: FAMILIAL ADENOMATOUS POLYPOSIS 1, ATTENUATED; POLYPOSIS, ADENOMATOUS INTESTINAL. Identifiers: MedGen C2713442, MONDO:0021056, OMIM 175100. Disease mechanism: loss of function.
Hereditary cancer-predisposing syndrome. Also called: Hereditary neoplastic syndrome; Tumor predisposition; Neoplastic Syndromes, Hereditary; Hereditary Cancer Syndrome. Identifiers: Orphanet 140162, MedGen C0027672, MeSH D009386, MONDO:0015356.

Submissions (2):

Ambry Genetics
Classification: Likely pathogenic for Hereditary cancer-predisposing syndrome. Last evaluated: 2024-09-16. Review status: criteria provided, single submitter. Criteria: Ambry Variant Classification Scheme 2023. Collection method: clinical testing. Allele origin: germline.
Comment: The c.834+3A>T intronic variant results from an A to T substitution 3 nucleotides after coding exon 7 in the APC gene. This nucleotide position is highly conserved in available vertebrate species. This variant has been observed in at least one individual with a personal and/or family history that is consistent with APC-associated disease (Ambry internal data). In silico splice site analysis predicts that this alteration may weaken the native splice donor site and will result in the creation or strengthening of a novel splice donor site. RNA studies have demonstrated that this alteration results in abnormal splicing in the set of samples tested (Ambry internal data). Based on the majority of available evidence to date, this variant is likely to be pathogenic.

Labcorp Genetics (formerly Invitae), Labcorp
Classification: Uncertain significance for Familial adenomatous polyposis 1. Last evaluated: 2020-07-03. Review status: criteria provided, single submitter. Criteria: Invitae Variant Classification Sherloc (09022015). Collection method: clinical testing. Allele origin: germline.
Comment: In summary, the available evidence is currently insufficient to determine the role of this variant in disease. Therefore, it has been classified as a Variant of Uncertain Significance. Nucleotide substitutions within the consensus splice site are a relatively common cause of aberrant splicing (PMID: 17576681, 9536098). Algorithms developed to predict the effect of sequence changes on RNA splicing suggest that this variant may disrupt the consensus splice site, but this prediction has not been confirmed by published transcriptional studies. This variant has not been reported in the literature in individuals with APC-related conditions. This variant is not present in population databases (ExAC no frequency). This sequence change falls in intron 8 of the APC gene. It does not directly change the encoded amino acid sequence of the APC protein, but it affects a nucleotide within the consensus splice site of the intron.

Literature cited by the submitters: PubMed 17576681 (cited by Labcorp Genetics (formerly Invitae), Labcorp); PubMed 9536098 (cited by Labcorp Genetics (formerly Invitae), Labcorp).